The following is an entry in ClinVar:

NM_001042702.5(PJVK):c.-23+765C>T

Gene: PJVK (pejvakin; plus strand). Cytogenetic location: 2q31.2.
Variant type: single nucleotide variant.
Coding change: c.-23+765C>T on transcript NM_001042702.5 (MANE Select); 765 bases into the intron after 23 bases upstream of the start codon, C replaced by T.
Molecular consequence: intron variant. On other transcripts: missense variant (1), 5 prime UTR variant (1).
Genome position (GRCh38, 1-based): chr2:178,452,534, C>T. VCF-style: chr2-178452534-C-T. GRCh37 (hg19) VCF-style: chr2-179317261-C-T.
Other names: c.91C>T, p.Arg31Cys (NM_001353776.2); c.-660C>T (NM_001353778.2); c.-335+765C>T (NM_001353777.1); c.30+664C>T (NM_001353775.2); short protein forms R31C.
Identifiers: ClinVar variation 4990708 (VCV004990708.1).
Genomic context (GRCh38, chr2:178,452,534, plus strand): 5'-GTTTTAATGGATATCTTATTGGAAGGGCTACATAGTCAGTATTTCACAATATATGAACTC[C>T]GCATAACACCTATGGCAAAACATTTCAGCACTCAGGTAAAATTCATTTTTTGCCACAAAA-3'

ClinVar aggregate classification (germline): Uncertain significance (1 of 4 stars; one submission).

Conditions:
PJVK-related disorder. Also called: PJVK-related condition.

gnomAD v4.1: 148 of 985,268 alleles (0.015%); highest among the groups gnomAD compares: South Asian, 0.62%; 2 homozygotes.

Submission:

PreventionGenetics, part of Exact Sciences
Classification: Uncertain significance for PJVK-related condition. Last evaluated: 2026-08-26. Review status: criteria provided, single submitter. Criteria: ACMG Guidelines, 2015. Collection method: clinical testing. Allele origin: germline.
Comment: The PJVK c.91C>T variant is predicted to result in the amino acid substitution p.Arg31Cys. To our knowledge, this variant has not been reported in the literature or in a large population database (gnomAD), indicating this variant is rare. At this time, the clinical significance of this variant is uncertain due to the absence of conclusive functional and genetic evidence.